The following is an entry in ClinVar:

NM_017780.4(CHD7):c.4354-1G>A

Gene: CHD7 (chromodomain helicase DNA binding protein 7; plus strand). Cytogenetic location: 8q12.2.
Variant type: single nucleotide variant.
Coding change: c.4354-1G>A on transcript NM_017780.4 (MANE Select); the canonical splice acceptor site of the intron before coding-DNA position 4354, G replaced by A.
Molecular consequence: splice acceptor variant. On other transcripts: intron variant (1).
Genome position (GRCh38, 1-based): chr8:60,838,075, G>A. VCF-style: chr8-60838075-G-A. GRCh37 (hg19) VCF-style: chr8-61750634-G-A.
Other names: c.1717-24154G>A (NM_001316690.1).
Identifiers: ClinVar variation 1458788 (VCV001458788.6), dbSNP rs2150779252, ClinGen allele CA371318036.
Genomic context (GRCh38, chr8:60,838,075, plus strand): 5'-TAGTCTGCAAACCTCTTAATTTTAAATTATTTTGAGTATTTTAAATATTTCTCTAAAACA[G>A]GTACAACAGCTTTCCAAGAAAGAAATAGAGGATCTTCTACGAAAAGGGGCCTATGGTGCA-3'

ClinVar aggregate classification (germline): Pathogenic (1 of 4 stars; one submission).

Conditions:
CHARGE syndrome (CHARGE). Also called: Coloboma, heart anomaly, choanal atresia, retardation, genital and ear anomalies; CHARGE association; Hall-Hittner syndrome; Hittner Hirsch Kreh syndrome; CHARGE ASSOCIATION--COLOBOMA, HEART ANOMALY, CHOANAL ATRESIA, RETARDATION, GENITAL AND EAR ANOMALIES. Identifiers: Orphanet 138, MedGen C0265354, MONDO:0008965.

Submission:

Labcorp Genetics (formerly Invitae), Labcorp
Classification: Pathogenic for CHARGE syndrome. Last evaluated: 2021-06-29. Review status: criteria provided, single submitter. Criteria: Invitae Variant Classification Sherloc (09022015). Collection method: clinical testing. Allele origin: germline.
Comment: Algorithms developed to predict the effect of sequence changes on RNA splicing suggest that this variant may disrupt the consensus splice site. For these reasons, this variant has been classified as Pathogenic. Disruption of this splice site has been observed in individuals with clinical features of CHARGE syndrome (PMID: 27832265; Invitae). This variant is not present in population databases (ExAC no frequency). This sequence change affects an acceptor splice site in intron 18 of the CHD7 gene. It is expected to disrupt RNA splicing. Variants that disrupt the donor or acceptor splice site typically lead to a loss of protein function (PMID: 16199547), and loss-of-function variants in CHD7 are known to be pathogenic (PMID: 22461308, 25077900).

Literature cited by the submitters: PubMed 27832265; PubMed 16199547; PubMed 22461308; PubMed 25077900.